The following is an entry in ClinVar:

NM_152443.3(RDH12):c.107A>C (p.Gln36Pro)

Genes: GPHN (gephyrin; plus strand), RDH12 (retinol dehydrogenase 12; plus strand). Cytogenetic location: 14q24.1.
Variant type: single nucleotide variant.
Coding change: c.107A>C on transcript NM_152443.3 (MANE Select); coding-DNA position 107, A replaced by C.
Protein change: p.Gln36Pro; replaces glutamine 36 with proline.
Molecular consequence: missense variant.
Genome position (GRCh38, 1-based): chr14:67,724,511, A>C. VCF-style: chr14-67724511-A-C. GRCh37 (hg19) VCF-style: chr14-68191228-A-C.
Other names: short protein forms Q36P.
Identifiers: ClinVar variation 4060778 (VCV004060778.2).
Genomic context (GRCh38, chr14:67,724,511, plus strand): 5'-CTCTTGTTTCCCTTGCCGATAGGAAGTTCTTTGCTGGTGGAGTGTGTAGAACAAATGTGC[A>C]GCTTCCTGGCAAGGTAGTGGTGATCACTGGCGCCAACACGGGCATTGGCAAGGAGACGGC-3'
Protein context (NP_689656.2, residues 26-46): FAGGVCRTNV[Gln36Pro]LPGKVVVITG

ClinVar aggregate classification (germline): Uncertain significance. Review status: criteria provided, single submitter (1 of 4 stars). 2 submissions from 2 submitters: Uncertain significance (1). 1 of the submissions does not count toward it. Last evaluated 2025-04-23.

Conditions:
Leber congenital amaurosis 13 (LCA13). Identifiers: MedGen C2675186, MONDO:0012990, OMIM 612712.
Leber congenital amaurosis (LCA). Also called: Leber's amaurosis. Identifiers: Orphanet 65, MedGen C0339527, MeSH D057130, MONDO:0018998.

gnomAD v4.1: 6 of 1,613,210 alleles (0.00037%); highest among the groups gnomAD compares: Non-Finnish European, 0.00042%; no homozygotes.

Submissions (2):

Labcorp Genetics (formerly Invitae), Labcorp
Classification: Uncertain significance for Leber congenital amaurosis 13. Last evaluated: 2025-04-23. Review status: criteria provided, single submitter. Criteria: Invitae Variant Classification Sherloc (09022015). Collection method: clinical testing. Allele origin: germline.
Comment: This sequence change replaces glutamine, which is neutral and polar, with proline, which is neutral and non-polar, at codon 36 of the RDH12 protein (p.Gln36Pro). This variant is not present in population databases (gnomAD no frequency). This variant has not been reported in the literature in individuals affected with RDH12-related conditions. Invitae Evidence Modeling of protein sequence and biophysical properties (such as structural, functional, and spatial information, amino acid conservation, physicochemical variation, residue mobility, and thermodynamic stability) indicates that this missense variant is not expected to disrupt RDH12 protein function with a negative predictive value of 80%. In summary, the available evidence is currently insufficient to determine the role of this variant in disease. Therefore, it has been classified as a Variant of Uncertain Significance.

Natera, Inc.
Classification: Uncertain significance for Leber congenital amaurosis. Last evaluated: 2025-02-10. Review status: no assertion criteria provided. Collection method: clinical testing. Allele origin: germline. Not counted in ClinVar's aggregate classification.